The following is an entry in ClinVar:

NM_006904.7(PRKDC):c.8833A>G (p.Ser2945Gly)

Gene: PRKDC (protein kinase, DNA-activated, catalytic subunit; minus strand). Cytogenetic location: 8q11.21.
Variant type: single nucleotide variant.
Coding change: c.8833A>G on transcript NM_006904.7 (MANE Select); coding-DNA position 8833, A replaced by G.
Protein change: p.Ser2945Gly; replaces serine 2945 with glycine.
Molecular consequence: missense variant.
Genome position (GRCh38, 1-based): chr8:47,823,947, T>C on the plus strand (A>G on the coding strand, the complement: PRKDC is on the minus strand). VCF-style: chr8-47823947-T-C. GRCh37 (hg19) VCF-style: chr8-48736508-T-C.
Other names: c.8833A>G, p.Ser2945Gly (NM_001081640.2); short protein forms S2945G.
Identifiers: ClinVar variation 1415593 (VCV001415593.6), dbSNP rs992305004, ClinGen allele CA176149789.

ClinVar aggregate classification (germline): Uncertain significance (1 of 4 stars; one submission).

Conditions:
Severe combined immunodeficiency due to DNA-PKcs deficiency. Also called: IMMUNODEFICIENCY 26 WITH NEUROLOGIC ABNORMALITIES; Immunodeficiency 26 with or without neurologic abnormalities. Identifiers: Orphanet 317425, MedGen C4014833, MONDO:0014423, OMIM 615966.

Allele frequency attached by ClinVar (database versions not stated): gnomAD exomes below 0.00001; gnomAD 0.00002; TOPMed 0.00002.
gnomAD v4.1: 7 of 1,613,520 alleles (0.00043%); highest among the groups gnomAD compares: Admixed American, 0.005%; no homozygotes.

Submission:

Labcorp Genetics (formerly Invitae), Labcorp
Classification: Uncertain significance for Severe combined immunodeficiency due to DNA-PKcs deficiency. Last evaluated: 2025-04-02. Review status: criteria provided, single submitter. Criteria: Invitae Variant Classification Sherloc (09022015). Collection method: clinical testing. Allele origin: germline.
Comment: This sequence change replaces serine, which is neutral and polar, with glycine, which is neutral and non-polar, at codon 2945 of the PRKDC protein (p.Ser2945Gly). This variant is not present in population databases (gnomAD no frequency). This variant has not been reported in the literature in individuals affected with PRKDC-related conditions. ClinVar contains an entry for this variant (Variation ID: 1415593). Invitae Evidence Modeling of protein sequence and biophysical properties (such as structural, functional, and spatial information, amino acid conservation, physicochemical variation, residue mobility, and thermodynamic stability) indicates that this missense variant is not expected to disrupt PRKDC protein function with a negative predictive value of 80%. In summary, the available evidence is currently insufficient to determine the role of this variant in disease. Therefore, it has been classified as a Variant of Uncertain Significance.